The following is an entry in ClinVar:

NM_001023570.4(IQCB1):c.1278+9A>G

Gene: IQCB1 (IQ motif containing B1; minus strand). Cytogenetic location: 3q13.33.
Variant type: single nucleotide variant.
Coding change: c.1278+9A>G on transcript NM_001023570.4 (MANE Select); 9 bases into the intron after coding-DNA position 1278, A replaced by G.
Molecular consequence: intron variant.
Genome position (GRCh38, 1-based): chr3:121,788,275, T>C on the plus strand (A>G on the coding strand, the complement: IQCB1 is on the minus strand). VCF-style: chr3-121788275-T-C. GRCh37 (hg19) VCF-style: chr3-121507122-T-C.
Other names: c.1278+9A>G (NM_001319107.2, NM_001023570.3); c.879+9A>G (NM_001023571.4).
Identifiers: ClinVar variation 699201 (VCV000699201.11), dbSNP rs774535665, ClinGen allele CA2567159.

ClinVar aggregate classification (germline): Likely benign. Review status: criteria provided, multiple submitters, no conflicts (2 of 4 stars). 4 submissions from 4 submitters: Likely benign (4). Last evaluated 2026-02-24.

Conditions:
IQCB1-related disorder. Also called: IQCB1-related condition.
Senior-Loken syndrome 5 (SLSN5). Identifiers: Orphanet 3156, MedGen C1836517, MONDO:0012225, OMIM 609254.
Nephronophthisis. Also called: Juvenile Nephronophthisis. Identifiers: Orphanet 655, MedGen C0687120, MONDO:0019005, HP:0000090.

Allele frequency attached by ClinVar (database versions not stated): TOPMed below 0.00001; gnomAD exomes 0.00001 and 0.00003; ExAC 0.00002.

Submissions (4):

PreventionGenetics, part of Exact Sciences
Classification: Likely benign for IQCB1-related condition. Last evaluated: 2026-02-24. Review status: criteria provided, single submitter. Criteria: ACMG Guidelines, 2015. Collection method: clinical testing. Allele origin: germline.
Comment: This variant is classified as likely benign based on ACMG/AMP sequence variant interpretation guidelines (Richards et al. 2015 PMID: 25741868, with internal and published modifications).

Labcorp Genetics (formerly Invitae), Labcorp
Classification: Likely benign for Nephronophthisis. Last evaluated: 2025-07-30. Review status: criteria provided, single submitter. Criteria: Invitae Variant Classification Sherloc (09022015). Collection method: clinical testing. Allele origin: germline.

Blueprint Genetics
Classification: Likely benign. Last evaluated: 2022-05-17. Review status: criteria provided, single submitter. Criteria: ACMG Guidelines, 2015. Collection method: clinical testing. Allele origin: germline.

Fulgent Genetics
Classification: Likely benign for Senior-Loken syndrome 5. Last evaluated: 2021-12-24. Review status: criteria provided, single submitter. Criteria: ACMG Guidelines, 2015. Collection method: clinical testing. Allele origin: unknown.